The following is an entry in ClinVar:

ClinVar aggregate classification (germline): Likely benign (1 of 4 stars; one submission).

gnomAD v4.1: 19 of 1,611,236 alleles (0.0012%); highest among the groups gnomAD compares: Non-Finnish European, 0.0014%; no homozygotes.

Submission:

CeGaT Center for Human Genetics Tuebingen
Classification: Likely benign. Last evaluated: 2025-06-01. Review status: criteria provided, single submitter. Criteria: CeGaT Center For Human Genetics Tuebingen Variant Classification Criteria Version 2. Collection method: clinical testing. Allele origin: germline. Affected: yes. Observed: 2 variant alleles.
Comment: RERE: BP4

NM_001042681.2(RERE):c.831-4C>T

Gene: RERE (arginine-glutamic acid dipeptide repeats; minus strand). Cytogenetic location: 1p36.23.
Variant type: single nucleotide variant.
Coding change: c.831-4C>T on transcript NM_001042681.2 (MANE Select); 4 bases into the intron before coding-DNA position 831, C replaced by T.
Molecular consequence: intron variant.
Genome position (GRCh38, 1-based): chr1:8,508,679, G>A on the plus strand (C>T on the coding strand, the complement: RERE is on the minus strand). VCF-style: chr1-8508679-G-A. GRCh37 (hg19) VCF-style: chr1-8568738-G-A.
Other names: c.831-4C>T (NM_012102.4).
Identifiers: ClinVar variation 3906045 (VCV003906045.10).